The following is an entry in ClinVar:

NM_004897.5(MINPP1):c.1201C>T (p.Arg401Trp)

Genes: MINPP1 (multiple inositol-polyphosphate phosphatase 1; plus strand), LOC126860990 (CDK7 strongly-dependent group 2 enhancer GRCh37_chr10:89311461-89312660; plus strand). Cytogenetic location: 10q23.2.
Variant type: single nucleotide variant.
Coding change: c.1201C>T on transcript NM_004897.5 (MANE Select); coding-DNA position 1201, C replaced by T.
Protein change: p.Arg401Trp; replaces arginine 401 with tryptophan.
Molecular consequence: missense variant. On other transcripts: 3 prime UTR variant (1).
Genome position (GRCh38, 1-based): chr10:87,552,215, C>T. VCF-style: chr10-87552215-C-T. GRCh37 (hg19) VCF-style: chr10-89311972-C-T.
Other names: c.*30C>T (NM_001178117.2); c.598C>T, p.Arg200Trp (NM_001178118.2); short protein forms R200W, R401W.
Identifiers: ClinVar variation 4084841 (VCV004084841.8).
Genomic context (GRCh38, chr10:87,552,215, plus strand): 5'-ATGGGCTACTTCAAAGACAAGGAACCCCTAACAGCGTACAATTACAAAAAACAAATGCAT[C>T]GGAAGTTCCGAAGTGGTCTCATTGTACCTTATGCCTCGAACCTGATATTTGTGCTTTACC-3'
Protein context (NP_004888.2, residues 391-411): TAYNYKKQMH[Arg401Trp]KFRSGLIVPY

ClinVar aggregate classification (germline): Uncertain significance (1 of 4 stars; one submission).

gnomAD v4.1: 5 of 1,613,794 alleles (0.00031%); highest among the groups gnomAD compares: Non-Finnish European, 0.00034%; no homozygotes.

Submission:

CeGaT Center for Human Genetics Tuebingen
Classification: Uncertain significance. Last evaluated: 2025-06-01. Review status: criteria provided, single submitter. Criteria: CeGaT Center For Human Genetics Tuebingen Variant Classification Criteria Version 2. Collection method: clinical testing. Allele origin: germline. Affected: yes. Observed: 1 variant allele.
Comment: MINPP1: PM2, PM5